The following is an entry in ClinVar:

ClinVar aggregate classification (germline): Uncertain significance (1 of 4 stars; one submission).

Conditions:
Familial temporal lobe epilepsy 8. Identifiers: Orphanet 101046, MedGen C4225318, MONDO:0014650, OMIM 616461.

Allele frequency attached by ClinVar (database versions not stated): gnomAD exomes 0.00001 and 0.00002; ExAC 0.00002.
gnomAD v4.1: 11 of 1,607,582 alleles (0.00068%); highest among the groups gnomAD compares: Admixed American, 0.0017%; no homozygotes.

Submission:

Labcorp Genetics (formerly Invitae), Labcorp
Classification: Uncertain significance for Familial temporal lobe epilepsy 8. Last evaluated: 2020-07-01. Review status: criteria provided, single submitter. Criteria: Invitae Variant Classification Sherloc (09022015). Collection method: clinical testing. Allele origin: germline.
Comment: In summary, the available evidence is currently insufficient to determine the role of this variant in disease. Therefore, it has been classified as a Variant of Uncertain Significance. Algorithms developed to predict the effect of missense changes on protein structure and function output the following: SIFT: "Tolerated"; PolyPhen-2: "Benign"; Align-GVGD: "Class C0". The arginine amino acid residue is found in multiple mammalian species, suggesting that this missense change does not adversely affect protein function. These predictions have not been confirmed by published functional studies and their clinical significance is uncertain. This variant has not been reported in the literature in individuals with GAL-related conditions. This variant is present in population databases (rs777842785, ExAC 0.003%). This sequence change replaces arginine with glutamine at codon 122 of the GAL protein (p.Arg122Gln). The arginine residue is weakly conserved and there is a small physicochemical difference between arginine and glycine.

NM_015973.5(GAL):c.365G>A (p.Arg122Gln)

Gene: GAL (galanin and GMAP prepropeptide; plus strand). Cytogenetic location: 11q13.2.
Variant type: single nucleotide variant.
Coding change: c.365G>A on transcript NM_015973.5 (MANE Select); coding-DNA position 365, G replaced by A.
Protein change: p.Arg122Gln; replaces arginine 122 with glutamine.
Molecular consequence: missense variant.
Genome position (GRCh38, 1-based): chr11:68,690,980, G>A. VCF-style: chr11-68690980-G-A. GRCh37 (hg19) VCF-style: chr11-68458448-G-A.
Other names: short protein forms R122Q.
Identifiers: ClinVar variation 951663 (VCV000951663.8), dbSNP rs777842785, ClinGen allele CA6151566.
Genomic context (GRCh38, chr11:68,690,980, plus strand): 5'-CCGGTGCCCTCGACCGCCTCCTGGATCTCCCCGCCGCAGCCTCCTCAGAAGACATCGAGC[G>A]GTCCTGAGAGCCTCCTGGGCATGTTTGTCTGTGTGCTGTAACCTGAAGTCAAACCTTAAG-3'
Protein context (NP_057057.2, residues 112-123): PAAASSEDIE[Arg122Gln]S